The following is an entry in ClinVar:

ClinVar aggregate classification (germline): not provided (0 of 4 stars; one submission).

Conditions:
Gestational diabetes mellitus uncontrolled. Identifiers: MedGen C3532257.

Submission:

Institute of Molecular and Cell Biology, University of Tartu
No classification provided. Condition: Gestational diabetes mellitus uncontrolled. Review status: no classification provided. Collection method: case-control. Allele origin: unknown. Affected: yes. Study: Kasak2014.
Comment: The study aimed to determine the contribution of copy number variants in the genetic etiology of normal and complicated pregnancies. The samples represented (i) maternal blood DNA drawn from healthy pregnant women during 1st or 2nd trimester and (ii) maternal and paternal blood DNA drawn at term pregnancy cases representing normal and complicated gestations (severe preeclampsia, PE; gestational diabetes, GD; small-for-gestational age newborn, SGA; large-for-gestational age newborn, LGA). We performed CNV calling based on genome-wide genotyping dataset (Illumina HumanOmniExpress-24-v1 BeadChip) by applying three algorithms, QuantiSNP, GADA (Genome Alteration Detection Algorithm) and CNstream in parallel. The acquired CNV calls were merged with HD-CNV (Hotspot Detector for Copy Number Variants) program and only the CNVs predicted by at least two programs, were considered in subsequent analysis.

Literature cited by the submitters: PubMed 25666259.

Single allele

Gene: FRG1 (FSHD region gene 1; plus strand). Cytogenetic location: 4q35.2.
Variant type: Duplication.
Identifiers: ClinVar variation 156950 (VCV000156950.2).